The following is an entry in ClinVar:

ClinVar aggregate classification (germline): Pathogenic (1 of 4 stars; one submission).

Submission:

Molecular Genetics laboratory, Necker Hospital
Classification: Pathogenic. Last evaluated: 2026-10-06. Review status: criteria provided, single submitter. Criteria: Pebrel-Richard et al. (Clin Genet. 2026). Collection method: clinical testing. Allele origin: de novo. Affected: yes. Observed: 1 variant allele.
Comment: This chromosomal rearrangement involving several CNVs was considered pathogenic according to the French Guidelines of the Achropuce Network (PMID: 40693340). The triplicated segments encompasses 163 genes (including 75 protein-coding genes), whereas the centromeric and telomeric duplicated segments encompass 1 gene (which is protein-coding) and 11 genes (including 7 protein-coding genes) respectively.

Single allele

Genes: AFF2 (ALF transcription elongation factor 2; plus strand), CD99L2 (CD99 molecule like 2; minus strand), CETN2 (centrin 2; minus strand), CNGA2 (cyclic nucleotide gated channel subunit alpha 2; plus strand), CSAG1 (chondrosarcoma associated gene 1) and 182 more. Cytogenetic location: Xq27.1-28.
Variant type: Complex.
Identifiers: ClinVar variation 5043378 (VCV005043378.1).